The following is an entry in ClinVar:

NM_001160372.4(TRAPPC9):c.1942G>A (p.Val648Ile)

Gene: TRAPPC9 (trafficking protein particle complex subunit 9; minus strand). Cytogenetic location: 8q24.3.
Variant type: single nucleotide variant.
Coding change: c.1942G>A on transcript NM_001160372.4 (MANE Select); coding-DNA position 1942, G replaced by A.
Protein change: p.Val648Ile; replaces valine 648 with isoleucine.
Molecular consequence: missense variant. On other transcripts: non-coding transcript variant (1).
Genome position (GRCh38, 1-based): chr8:140,287,647, C>T on the plus strand (G>A on the coding strand, the complement: TRAPPC9 is on the minus strand). VCF-style: chr8-140287647-C-T. GRCh37 (hg19) VCF-style: chr8-141297746-C-T.
Other names: c.1915G>A, p.Val639Ile (NM_001321646.2); c.1963G>A, p.Val655Ile (NM_001374682.1); c.1942G>A, p.Val648Ile (NM_001374683.1, NM_031466.8); c.1798G>A, p.Val600Ile (NM_001374684.1); short protein forms V600I, V648I, V639I, V655I.
Identifiers: ClinVar variation 1986478 (VCV001986478.2), dbSNP rs1025094515, ClinGen allele CA186502874.

ClinVar aggregate classification (germline): Uncertain significance. Review status: criteria provided, multiple submitters, no conflicts (2 of 4 stars). 2 submissions from 2 submitters: Uncertain significance (2). Last evaluated 2023-12-27.

Conditions:
Inborn genetic diseases. Identifiers: MedGen C0950123, MeSH D030342.

Allele frequency attached by ClinVar (database versions not stated): gnomAD 0.00001; gnomAD exomes 0.00001; TOPMed 0.00002.
gnomAD v4.1: 18 of 1,614,064 alleles (0.0011%); highest among the groups gnomAD compares: South Asian, 0.0022%; no homozygotes.

Submissions (2):

Ambry Genetics
Classification: Uncertain significance for Inborn genetic diseases. Last evaluated: 2023-12-27. Review status: criteria provided, single submitter. Criteria: Ambry Variant Classification Scheme 2023. Collection method: clinical testing. Allele origin: germline.

Labcorp Genetics (formerly Invitae), Labcorp
Classification: Uncertain significance. Last evaluated: 2022-05-31. Review status: criteria provided, single submitter. Criteria: Invitae Variant Classification Sherloc (09022015). Collection method: clinical testing. Allele origin: germline.
Comment: This sequence change replaces valine, which is neutral and non-polar, with isoleucine, which is neutral and non-polar, at codon 746 of the TRAPPC9 protein (p.Val746Ile). This variant is present in population databases (no rsID available, gnomAD 0.007%). This variant has not been reported in the literature in individuals affected with TRAPPC9-related conditions. Algorithms developed to predict the effect of missense changes on protein structure and function are either unavailable or do not agree on the potential impact of this missense change (SIFT: "Not Available"; PolyPhen-2: "Probably Damaging"; Align-GVGD: "Not Available"). In summary, the available evidence is currently insufficient to determine the role of this variant in disease. Therefore, it has been classified as a Variant of Uncertain Significance.